The following is an entry in ClinVar:

NM_017946.4(FKBP14):c.349+6A>C

Genes: FKBP14 (FKBP prolyl isomerase 14; minus strand), FKBP14-AS1 (FKBP14 antisense RNA 1; plus strand). Cytogenetic location: 7p14.3.
Variant type: single nucleotide variant.
Coding change: c.349+6A>C on transcript NM_017946.4 (MANE Select); 6 bases into the intron after coding-DNA position 349, A replaced by C.
Molecular consequence: intron variant.
Genome position (GRCh38, 1-based): chr7:30,022,659, T>G on the plus strand (A>C on the coding strand, the complement: FKBP14 is on the minus strand). VCF-style: chr7-30022659-T-G. GRCh37 (hg19) VCF-style: chr7-30062275-T-G.
Identifiers: ClinVar variation 1020959 (VCV001020959.9), dbSNP rs1790066082, ClinGen allele CA1697492802.

ClinVar aggregate classification (germline): Uncertain significance (1 of 4 stars; one submission).

Conditions:
Ehlers-Danlos syndrome, kyphoscoliotic type, 2. Also called: Ehlers-Danlos syndrome, kyphoscoliotic and deafness type; FKBP14-Kyphoscoliotic Ehlers-Danlos Syndrome; Ehlers-Danlos syndrome with progressive kyphoscoliosis, myopathy, and hearing loss. Identifiers: Orphanet 300179, MedGen C3281160, MONDO:0013800, OMIM 614557.

Submission:

Labcorp Genetics (formerly Invitae), Labcorp
Classification: Uncertain significance for Ehlers-Danlos syndrome, kyphoscoliotic type, 2. Last evaluated: 2021-08-30. Review status: criteria provided, single submitter. Criteria: Invitae Variant Classification Sherloc (09022015). Collection method: clinical testing. Allele origin: germline.
Comment: This sequence change falls in intron 2 of the FKBP14 gene. It does not directly change the encoded amino acid sequence of the FKBP14 protein. It affects a nucleotide within the consensus splice site of the intron. This variant is not present in population databases (ExAC no frequency). This variant has not been reported in the literature in individuals affected with FKBP14-related conditions. Variants that disrupt the consensus splice site are a relatively common cause of aberrant splicing (PMID: 17576681, 9536098). Algorithms developed to predict the effect of sequence changes on RNA splicing suggest that this variant is not likely to affect RNA splicing. In summary, the available evidence is currently insufficient to determine the role of this variant in disease. Therefore, it has been classified as a Variant of Uncertain Significance.

Literature cited by the submitters: PubMed 17576681; PubMed 9536098.